The following is an entry in ClinVar:

NM_004360.5(CDH1):c.388-20C>T

Gene: CDH1 (cadherin 1; plus strand). Cytogenetic location: 16q22.1.
Variant type: single nucleotide variant.
Coding change: c.388-20C>T on transcript NM_004360.5 (MANE Select); 20 bases into the intron before coding-DNA position 388, C replaced by T.
Molecular consequence: intron variant.
Genome position (GRCh38, 1-based): chr16:68,808,404, C>T. VCF-style: chr16-68808404-C-T. GRCh37 (hg19) VCF-style: chr16-68842307-C-T.
Other names: c.-1228-20C>T (NM_001317185.2); c.-1432-20C>T (NM_001317186.2); c.388-20C>T (NM_001317184.2).
Identifiers: ClinVar variation 2861845 (VCV002861845.4), dbSNP rs1960722851, ClinGen allele CA2633897959.

ClinVar aggregate classification (germline): Likely benign. Review status: criteria provided, multiple submitters, no conflicts (2 of 4 stars). 2 submissions from 2 submitters: Likely benign (2). Last evaluated 2024-09-12.

Conditions:
Hereditary diffuse gastric adenocarcinoma (HDGC). Also called: DIFFUSE GASTRIC AND LOBULAR BREAST CANCER SYNDROME. Identifiers: Orphanet 26106, MedGen C1708349, MONDO:0007648, OMIM 137215.

gnomAD v4.1: 1 of 1,613,990 alleles (0.000062%); highest among the groups gnomAD compares: Non-Finnish European, 0.000085%; no homozygotes.

Submissions (2):

Myriad Genetics, Inc.
Classification: Likely benign for Hereditary diffuse gastric adenocarcinoma. Last evaluated: 2024-09-12. Review status: criteria provided, single submitter. Criteria: Myriad Autosomal Dominant, Autosomal Recessive and X-Linked Classification Criteria (2023). Collection method: clinical testing. Allele origin: unknown.
Comment: This variant is considered likely benign. This variant is intronic and is not expected to impact mRNA splicing.

Labcorp Genetics (formerly Invitae), Labcorp
Classification: Likely benign for Hereditary diffuse gastric adenocarcinoma. Last evaluated: 2023-05-21. Review status: criteria provided, single submitter. Criteria: Invitae Variant Classification Sherloc (09022015). Collection method: clinical testing. Allele origin: germline.